The following is an entry in ClinVar:

NM_000414.4(HSD17B4):c.605dup (p.Thr203fs)

Gene: HSD17B4 (hydroxysteroid 17-beta dehydrogenase 4; plus strand). Cytogenetic location: 5q23.1.
Variant type: Duplication.
Coding change: c.605dup on transcript NM_000414.4 (MANE Select); coding-DNA position 605, one base duplicated (A; older notation c.605dupA).
Protein change: p.Thr203fs; shifts the reading frame from threonine 203.
Molecular consequence: frameshift variant. On other transcripts: non-coding transcript variant (2).
Genome position (GRCh38, 1-based): chr5:119,479,004, A duplicated. VCF-style (leftmost placement, unchanged base first): chr5-119479003-C-CA. GRCh37 (hg19) VCF-style: chr5-118814698-C-CA.
Other names: c.551dup (NM_001199292.1); c.680dup, p.Thr228fs (NM_001199291.3); c.551dup, p.Thr185fs (NM_001199292.2); c.533dup, p.Thr179fs (NM_001292027.2); c.185dup, p.Thr63fs (NM_001292028.2); c.596dup, p.Thr200fs (NM_001374497.1); c.605dup, p.Thr203fs (NM_001374498.1); c.278dup, p.Thr94fs (NM_001374499.1); and 2 more; short protein forms T203fs, T228fs, T179fs, T56fs, T94fs, T185fs, T200fs, T63fs.
Identifiers: ClinVar variation 1458501 (VCV001458501.7), dbSNP rs2126703227, ClinGen allele CA2573138659.
Genomic context (GRCh38, chr5:119,479,003, plus strand): 5'-GGCAGGAAAAGCAACATTCATTGTAACACCATTGCTCCTAATGCGGGATCACGGATGACT[C>CA]AGACAGTTATGCCTGAAGGTAAGTAAGCAAGCTTATATTTTTCAGTGCTGTTACTTACAA-3'

ClinVar aggregate classification (germline): Pathogenic. Review status: criteria provided, multiple submitters, no conflicts (2 of 4 stars). 2 submissions from 2 submitters: Pathogenic (2). Last evaluated 2024-03-25.

Conditions:
Bifunctional peroxisomal enzyme deficiency (DBIF). Also called: DBP DEFICIENCY; PBFE DEFICIENCY; D-bifunctional protein deficiency. Identifiers: Orphanet 300, MedGen C0342870, MONDO:0009855, OMIM 261515. Disease mechanism: loss of function.
Perrault syndrome. Also called: Gonadal dysgenesis with auditory dysfunction, autosomal recessive inheritance. Identifiers: Orphanet 2855, MedGen C0685838, MONDO:0017312.
Perrault syndrome 1 (PRLTS1). Also called: GONADAL DYSGENESIS, XX TYPE, WITH DEAFNESS; OVARIAN DYSGENESIS WITH SENSORINEURAL DEAFNESS. Identifiers: Orphanet 2855, Orphanet 642945, MedGen C4551721, MONDO:0009300, OMIM 233400.

Submissions (2):

Genomic Medicine Center of Excellence, King Faisal Specialist Hospital and Research Centre
Classification: Pathogenic for Perrault syndrome 1. Last evaluated: 2024-03-25. Review status: criteria provided, single submitter. Criteria: ACMG Guidelines, 2015. Collection method: clinical testing. Allele origin: germline.

Labcorp Genetics (formerly Invitae), Labcorp
Classification: Pathogenic for Perrault syndrome; Bifunctional peroxisomal enzyme deficiency. Last evaluated: 2021-08-20. Review status: criteria provided, single submitter. Criteria: Invitae Variant Classification Sherloc (09022015). Collection method: clinical testing. Allele origin: germline.
Comment: This sequence change creates a premature translational stop signal (p.Thr203Aspfs*5) in the HSD17B4 gene. It is expected to result in an absent or disrupted protein product. Loss-of-function variants in HSD17B4 are known to be pathogenic (PMID: 11810648, 16385454). This variant is not present in population databases (ExAC no frequency). This variant has not been reported in the literature in individuals affected with HSD17B4-related conditions. For these reasons, this variant has been classified as Pathogenic.

Literature cited by the submitters: PubMed 11810648 (cited by Labcorp Genetics (formerly Invitae), Labcorp); PubMed 16385454 (cited by Labcorp Genetics (formerly Invitae), Labcorp).